The following is an entry in ClinVar:

ClinVar aggregate classification (germline): Uncertain significance (1 of 4 stars; one submission).

Conditions:
Gingival disorder. Also called: Gingival disease. Identifiers: MedGen C0017563, MONDO:0002021.

gnomAD v4.1: 5 of 1,614,086 alleles (0.00031%); highest among the groups gnomAD compares: Non-Finnish European, 0.00042%; no homozygotes.

Submission:

Labcorp Genetics (formerly Invitae), Labcorp
Classification: Uncertain significance for Gingival disorder. Last evaluated: 2021-01-12. Review status: criteria provided, single submitter. Criteria: Invitae Variant Classification Sherloc (09022015). Collection method: clinical testing. Allele origin: germline.
Comment: In summary, the available evidence is currently insufficient to determine the role of this variant in disease. Therefore, it has been classified as a Variant of Uncertain Significance. Algorithms developed to predict the effect of missense changes on protein structure and function output the following: SIFT: "Tolerated"; PolyPhen-2: "Benign"; Align-GVGD: "Class C0". The valine amino acid residue is found in multiple mammalian species, suggesting that this missense change does not adversely affect protein function. These predictions have not been confirmed by published functional studies and their clinical significance is uncertain. This variant has not been reported in the literature in individuals with FPR1-related conditions. This variant is present in population databases (rs769777199, ExAC 0.01%). This sequence change replaces isoleucine with valine at codon 27 of the FPR1 protein (p.Ile27Val). The isoleucine residue is moderately conserved and there is a small physicochemical difference between isoleucine and valine.

NM_002029.4(FPR1):c.79A>G (p.Ile27Val)

Gene: FPR1 (formyl peptide receptor 1; minus strand). Cytogenetic location: 19q13.41.
Variant type: single nucleotide variant.
Coding change: c.79A>G on transcript NM_002029.4 (MANE Select); coding-DNA position 79, A replaced by G.
Protein change: p.Ile27Val; replaces isoleucine 27 with valine.
Molecular consequence: missense variant.
Genome position (GRCh38, 1-based): chr19:51,746,916, T>C on the plus strand (A>G on the coding strand, the complement: FPR1 is on the minus strand). VCF-style: chr19-51746916-T-C. GRCh37 (hg19) VCF-style: chr19-52250169-T-C.
Other names: c.79A>G, p.Ile27Val (NM_001193306.2); short protein forms I27V.
Identifiers: ClinVar variation 841693 (VCV000841693.11), dbSNP rs769777199, ClinGen allele CA9616536.